The following is an entry in ClinVar:

ClinVar aggregate classification (germline): Pathogenic. Review status: criteria provided, multiple submitters, no conflicts (2 of 4 stars). 4 submissions from 4 submitters: Pathogenic (3). 1 of the submissions does not count toward it. Last evaluated 2025-04-24.

Conditions:
Episodic ataxia type 1 (EA1). Also called: MYOKYMIA WITH PERIODIC ATAXIA; PAROXYSMAL ATAXIA WITH NEUROMYOTONIA, HEREDITARY; ATAXIA, EPISODIC, WITH MYOKYMIA; Episodic ataxia/myokymia syndrome. Identifiers: Orphanet 37612, Orphanet 972, MedGen C1719788, MONDO:0008047, OMIM 160120.

Submissions (4):

Variantyx, Inc.
Classification: Pathogenic for Episodic ataxia type 1. Last evaluated: 2025-04-24. Review status: criteria provided, single submitter. Criteria: Variantyx Assertion Criteria 2022. Collection method: clinical testing. Allele origin: de novo. Inheritance: Autosomal dominant inheritance. Affected: yes.
Comment: This is a nonsense variant in the KCNA1 gene (OMIM: 176260). Pathogenic variants in this gene have been associated with autosomal dominant episodic ataxia type 1. This variant likely occurred de novo in an individual reported in the published literature; however, the possibility of parental germline mosaicism cannot be excluded (PMID: 11026449) (PS2). Functional studies have shown that this variant alters KCNA1 protein function (PMID: 19779067 , 11026449) (PS3). This variant is absent from control populations (PM2). Based on the current evidence, this variant is classified as pathogenic for autosomal dominant episodic ataxia type 1.

Labcorp Genetics (formerly Invitae), Labcorp
Classification: Pathogenic for Episodic ataxia type 1. Last evaluated: 2025-04-11. Review status: criteria provided, single submitter. Criteria: Invitae Variant Classification Sherloc (09022015). Collection method: clinical testing. Allele origin: germline.
Comment: This sequence change creates a premature translational stop signal (p.Arg417*) in the KCNA1 gene. While this is not anticipated to result in nonsense mediated decay, it is expected to disrupt the last 79 amino acid(s) of the KCNA1 protein. This variant is not present in population databases (gnomAD no frequency). This premature translational stop signal has been observed in individual(s) with episodic ataxia (PMID: 11026449). In at least one individual the variant was observed to be de novo. ClinVar contains an entry for this variant (Variation ID: 13491). Algorithms developed to predict the effect of variants on gene product structure and function are not available or were not evaluated for this variant. Experimental studies have shown that this premature translational stop signal affects KCNA1 function (PMID: 11026449, 19779067). For these reasons, this variant has been classified as Pathogenic.

GeneDx
Classification: Pathogenic. Last evaluated: 2025-01-27. Review status: criteria provided, single submitter. Criteria: GeneDx Variant Classification Process June 2021. Collection method: clinical testing. Allele origin: germline. Affected: yes.
Comment: Published functional studies suggest a damaging effect on Kv1.1 channel function (PMID: 11026449, 19779067, 11773313, 17520476); Not observed at significant frequency in large population cohorts (gnomAD); Nonsense variant predicted to result in protein truncation as the last 79 amino acid(s) are lost with an unclear effect on protein function; This variant is associated with the following publications: (PMID: 11026449, 19779067, 11773313, 17520476)

OMIM
Classification: Pathogenic for EPISODIC ATAXIA, TYPE 1. Last evaluated: 2000-10-01. Review status: no assertion criteria provided. Collection method: literature only. Allele origin: germline. Not counted in ClinVar's aggregate classification.

Literature cited by the submitters: PubMed 19779067 (cited by Variantyx, Inc. and Labcorp Genetics (formerly Invitae), Labcorp); PubMed 11026449 (cited by 3 submitters).

NM_000217.3(KCNA1):c.1249C>T (p.Arg417Ter)

Gene: KCNA1 (potassium voltage-gated channel subfamily A member 1; plus strand). Cytogenetic location: 12p13.32.
Variant type: single nucleotide variant.
Coding change: c.1249C>T on transcript NM_000217.3 (MANE Select); coding-DNA position 1249, C replaced by T.
Protein change: p.Arg417Ter; replaces arginine 417 with a stop codon.
Molecular consequence: nonsense.
Genome position (GRCh38, 1-based): chr12:4,912,627, C>T. VCF-style: chr12-4912627-C-T. GRCh37 (hg19) VCF-style: chr12-5021793-C-T.
Other names: short protein forms R417*.
Identifiers: ClinVar variation 13491 (VCV000013491.10), dbSNP rs104894358, ClinGen allele CA341288.
Genomic context (GRCh38, chr12:4,912,627, plus strand): 5'-GTGCTAACAATTGCCCTGCCCGTACCTGTCATTGTGTCCAATTTCAACTATTTCTACCAC[C>T]GAGAAACTGAGGGGGAAGAGCAGGCTCAGTTGCTCCACGTCAGTTCCCCTAACTTAGCCT-3'